The following is an entry in ClinVar:

NM_015559.3(SETBP1):c.2479T>C (p.Trp827Arg)

Gene: SETBP1 (SET binding protein 1; plus strand). Cytogenetic location: 18q12.3.
Variant type: single nucleotide variant.
Coding change: c.2479T>C on transcript NM_015559.3 (MANE Select); coding-DNA position 2479, T replaced by C.
Protein change: p.Trp827Arg; replaces tryptophan 827 with arginine.
Molecular consequence: missense variant.
Genome position (GRCh38, 1-based): chr18:44,951,819, T>C. VCF-style: chr18-44951819-T-C. GRCh37 (hg19) VCF-style: chr18-42531784-T-C.
Other names: c.2479T>C, p.Trp827Arg (NM_001379141.1, NM_001379142.1, NM_001410862.1); short protein forms W827R.
Identifiers: ClinVar variation 1995739 (VCV001995739.4), dbSNP rs2071359990, ClinGen allele CA402321452.

ClinVar aggregate classification (germline): Uncertain significance (1 of 4 stars; one submission).

Allele frequency attached by ClinVar (database versions not stated): TOPMed below 0.00001.

Submission:

Labcorp Genetics (formerly Invitae), Labcorp
Classification: Uncertain significance. Last evaluated: 2023-01-10. Review status: criteria provided, single submitter. Criteria: Invitae Variant Classification Sherloc (09022015). Collection method: clinical testing. Allele origin: germline.
Comment: This sequence change replaces tryptophan, which is neutral and slightly polar, with arginine, which is basic and polar, at codon 827 of the SETBP1 protein (p.Trp827Arg). This variant is not present in population databases (gnomAD no frequency). This variant has not been reported in the literature in individuals affected with SETBP1-related conditions. Advanced modeling of protein sequence and biophysical properties (such as structural, functional, and spatial information, amino acid conservation, physicochemical variation, residue mobility, and thermodynamic stability) performed at Invitae indicates that this missense variant is not expected to disrupt SETBP1 protein function. In summary, the available evidence is currently insufficient to determine the role of this variant in disease. Therefore, it has been classified as a Variant of Uncertain Significance.